The following is an entry in ClinVar:

ClinVar aggregate classification (germline): Uncertain significance. Review status: criteria provided, multiple submitters, no conflicts (2 of 4 stars). 2 submissions from 2 submitters: Uncertain significance (2). Last evaluated 2025-10-27.

Allele frequency attached by ClinVar (database versions not stated): gnomAD exomes 0.00001 and below 0.00001; TOPMed 0.00001; ExAC 0.00002.
gnomAD v4.1: 2 of 1,570,510 alleles (0.00013%); highest among the groups gnomAD compares: East Asian, 0.0022%; no homozygotes.

Submissions (2):

Labcorp Genetics (formerly Invitae), Labcorp
Classification: Uncertain significance. Last evaluated: 2025-10-27. Review status: criteria provided, single submitter. Criteria: Invitae Variant Classification Sherloc (09022015). Collection method: clinical testing. Allele origin: germline.
Comment: This sequence change replaces serine, which is neutral and polar, with phenylalanine, which is neutral and non-polar, at codon 343 of the GALNT12 protein (p.Ser343Phe). This variant is present in population databases (rs749861818, gnomAD 0.01%). This variant has not been reported in the literature in individuals affected with GALNT12-related conditions. ClinVar contains an entry for this variant (Variation ID: 822037). Invitae Evidence Modeling of protein sequence and biophysical properties (such as structural, functional, and spatial information, amino acid conservation, physicochemical variation, residue mobility, and thermodynamic stability) indicates that this missense variant is expected to disrupt GALNT12 protein function with a positive predictive value of 80%. In summary, the available evidence is currently insufficient to determine the role of this variant in disease. Therefore, it has been classified as a Variant of Uncertain Significance.

Ambry Genetics
Classification: Uncertain significance. Last evaluated: 2025-10-25. Review status: criteria provided, single submitter. Criteria: Ambry Variant Classification Scheme 2023. Collection method: clinical testing. Allele origin: germline.
Comment: The p.S343F variant (also known as c.1028C>T), located in coding exon 5 of the GALNT12 gene, results from a C to T substitution at nucleotide position 1028. The serine at codon 343 is replaced by phenylalanine, an amino acid with highly dissimilar properties. This amino acid position is highly conserved in available vertebrate species. In addition, this alteration is predicted to be deleterious by in silico analysis. Since supporting evidence is limited at this time, the clinical significance of this alteration remains unclear.

NM_024642.5(GALNT12):c.1028C>T (p.Ser343Phe)

Gene: GALNT12 (polypeptide N-acetylgalactosaminyltransferase 12; plus strand). Cytogenetic location: 9q22.33.
Variant type: single nucleotide variant.
Coding change: c.1028C>T on transcript NM_024642.5 (MANE Select); coding-DNA position 1028, C replaced by T.
Protein change: p.Ser343Phe; replaces serine 343 with phenylalanine.
Molecular consequence: missense variant.
Genome position (GRCh38, 1-based): chr9:98,835,359, C>T. VCF-style: chr9-98835359-C-T. GRCh37 (hg19) VCF-style: chr9-101597641-C-T.
Other names: short protein forms S343F.
Identifiers: ClinVar variation 822037 (VCV000822037.14), dbSNP rs749861818, ClinGen allele CA5154137.